The following is an entry in ClinVar:

NM_138959.3(VANGL1):c.*1652C>T

Gene: VANGL1 (VANGL planar cell polarity protein 1; plus strand). Cytogenetic location: 1p13.1.
Variant type: single nucleotide variant.
Coding change: c.*1652C>T on transcript NM_138959.3 (MANE Select); 1652 bases downstream of the stop codon, C replaced by T.
Molecular consequence: 3 prime UTR variant.
Genome position (GRCh38, 1-based): chr1:115,693,031, C>T. VCF-style: chr1-115693031-C-T. GRCh37 (hg19) VCF-style: chr1-116235652-C-T.
Other names: c.*1652C>T (NM_001172411.2, NM_001172412.2).
Identifiers: ClinVar variation 876642 (VCV000876642.4), dbSNP rs146512242, ClinGen allele CA29598438.

ClinVar aggregate classification (germline): Benign/Likely benign. Review status: criteria provided, single submitter (1 of 4 stars). 2 submissions from 1 submitter: Benign (1); Likely benign (1). Last evaluated 2018-01-13.

Conditions:
Neural tube defect (NTD). Also called: Neural tube defects. Identifiers: Orphanet 3388, Orphanet 823, MedGen C0027794, MONDO:0018075, HP:0045005.
Sacral defect with anterior meningocele. Identifiers: MedGen C1838568, OMIM 600145.

Allele frequency attached by ClinVar (database versions not stated): gnomAD 0.00692 and 0.00738; TOPMed 0.00809; 1000 Genomes Project 0.00819; 1000 Genomes Project 30x 0.00843.

Submissions (2):

Illumina Laboratory Services, Illumina
Classification: Likely benign for Neural tube defects, susceptibility to. Last evaluated: 2018-01-13. Review status: criteria provided, single submitter. Criteria: ICSL Variant Classification Criteria 13 December 2019. Collection method: clinical testing. Allele origin: germline.
Comment: This variant was observed in the ICSL laboratory as part of a predisposition screen in an ostensibly healthy population. It had not been previously curated by ICSL or reported in the Human Gene Mutation Database (HGMD: prior to June 1st, 2018), and was therefore a candidate for classification through an automated scoring system. Utilizing variant allele frequency, disease prevalence and penetrance estimates, and inheritance mode, an automated score was calculated to assess if this variant is too frequent to cause the disease. Based on the score and internal cut-off values, a variant classified as likely benign is not then subjected to further curation. The score for this variant resulted in a classification of likely benign for this disease.

Illumina Laboratory Services, Illumina
Classification: Benign for Sacral defect with anterior meningocele. Last evaluated: 2018-01-13. Review status: criteria provided, single submitter. Criteria: ICSL Variant Classification Criteria 13 December 2019. Collection method: clinical testing. Allele origin: germline.
Comment: This variant was observed in the ICSL laboratory as part of a predisposition screen in an ostensibly healthy population. It had not been previously curated by ICSL or reported in the Human Gene Mutation Database (HGMD: prior to June 1st, 2018), and was therefore a candidate for classification through an automated scoring system. Utilizing variant allele frequency, disease prevalence and penetrance estimates, and inheritance mode, an automated score was calculated to assess if this variant is too frequent to cause the disease. Based on the score and internal cut-off values, a variant classified as benign is not then subjected to further curation. The score for this variant resulted in a classification of benign for this disease.